The following is an entry in ClinVar:

ClinVar aggregate classification (germline): Uncertain significance (1 of 4 stars; one submission).

Conditions:
Primary familial hypertrophic cardiomyopathy (HCM). Identifiers: Orphanet 99739, MedGen C0949658, MeSH D024741, MONDO:0024573. Inheritance: Various modes of inheritance.
Hypertrophic cardiomyopathy 25 (CMH25). Also called: CARDIOMYOPATHY, FAMILIAL HYPERTROPHIC, 25. Identifiers: MedGen C4225408, MONDO:0011843, OMIM 607487.

Submission:

Labcorp Genetics (formerly Invitae), Labcorp
Classification: Uncertain significance for Hypertrophic cardiomyopathy 25; Primary familial hypertrophic cardiomyopathy. Last evaluated: 2025-10-23. Review status: criteria provided, single submitter. Criteria: Invitae Variant Classification Sherloc (09022015). Collection method: clinical testing. Allele origin: germline.
Comment: This sequence change replaces proline, which is neutral and non-polar, with threonine, which is neutral and polar, at codon 142 of the TCAP protein (p.Pro142Thr). This variant is not present in population databases (gnomAD no frequency). This variant has not been reported in the literature in individuals affected with TCAP-related conditions. ClinVar contains an entry for this variant (Variation ID: 1376676). An algorithm developed to predict the effect of missense changes on protein structure and function (PolyPhen-2) suggests that this variant is likely to be disruptive. In summary, the available evidence is currently insufficient to determine the role of this variant in disease. Therefore, it has been classified as a Variant of Uncertain Significance.

NM_003673.4(TCAP):c.424C>A (p.Pro142Thr)

Gene: TCAP (titin-cap; plus strand). Cytogenetic location: 17q12.
Variant type: single nucleotide variant.
Coding change: c.424C>A on transcript NM_003673.4 (MANE Select); coding-DNA position 424, C replaced by A.
Protein change: p.Pro142Thr; replaces proline 142 with threonine.
Molecular consequence: missense variant.
Genome position (GRCh38, 1-based): chr17:39,666,029, C>A. VCF-style: chr17-39666029-C-A. GRCh37 (hg19) VCF-style: chr17-37822282-C-A.
Other names: short protein forms P142T.
Identifiers: ClinVar variation 1376676 (VCV001376676.6), dbSNP rs964326898, ClinGen allele CA290434183.